The following is an entry in ClinVar:

ClinVar aggregate classification (germline): Uncertain significance. Review status: criteria provided, multiple submitters, no conflicts (2 of 4 stars). 2 submissions from 2 submitters: Uncertain significance (2). Last evaluated 2022-03-23.

Conditions:
Combined immunodeficiency due to DOCK8 deficiency (HIES2). Also called: HIES autosomal recessive; Hyper-IgE recurrent infection syndrome, autosomal recessive; HYPER-IgE RECURRENT INFECTION SYNDROME 2, AUTOSOMAL RECESSIVE; HYPER-IgE SYNDROME 2, AUTOSOMAL RECESSIVE, WITH RECURRENT INFECTIONS; DOCK8 Deficiency. Identifiers: Orphanet 217390, MedGen C4722305, MONDO:0009478, OMIM 243700.

gnomAD v4.1: 21 of 1,614,024 alleles (0.0013%); highest among the groups gnomAD compares: Middle Eastern, 0.033%; no homozygotes.

Submissions (2):

Labcorp Genetics (formerly Invitae), Labcorp
Classification: Uncertain significance for Combined immunodeficiency due to DOCK8 deficiency. Last evaluated: 2022-03-23. Review status: criteria provided, single submitter. Criteria: Invitae Variant Classification Sherloc (09022015). Collection method: clinical testing. Allele origin: germline.
Comment: This sequence change replaces asparagine, which is neutral and polar, with serine, which is neutral and polar, at codon 815 of the DOCK8 protein (p.Asn815Ser). This variant is present in population databases (rs141451302, gnomAD 0.006%). This variant has not been reported in the literature in individuals affected with DOCK8-related conditions. Algorithms developed to predict the effect of missense changes on protein structure and function (SIFT, PolyPhen-2, Align-GVGD) all suggest that this variant is likely to be tolerated. Algorithms developed to predict the effect of sequence changes on RNA splicing suggest that this variant may create or strengthen a splice site. In summary, the available evidence is currently insufficient to determine the role of this variant in disease. Therefore, it has been classified as a Variant of Uncertain Significance.

Breakthrough Genomics
Classification: Uncertain significance. Review status: criteria provided, single submitter. Criteria: ACMG Guidelines, 2015. Collection method: not provided. Allele origin: germline. Inheritance: Autosomal recessive inheritance. Affected: yes.

NM_203447.4(DOCK8):c.2444A>G (p.Asn815Ser)

Gene: DOCK8 (dedicator of cytokinesis 8; plus strand). Cytogenetic location: 9p24.3.
Variant type: single nucleotide variant.
Coding change: c.2444A>G on transcript NM_203447.4 (MANE Select); coding-DNA position 2444, A replaced by G.
Protein change: p.Asn815Ser; replaces asparagine 815 with serine.
Molecular consequence: missense variant.
Genome position (GRCh38, 1-based): chr9:379,774, A>G. VCF-style: chr9-379774-A-G. GRCh37 (hg19) VCF-style: chr9-379774-A-G.
Other names: c.2240A>G, p.Asn747Ser (NM_001190458.2, NM_001193536.2); short protein forms N815S, N747S.
Identifiers: ClinVar variation 1418573 (VCV001418573.6), dbSNP rs141451302, ClinGen allele CA4958203.